The following is an entry in ClinVar:

ClinVar aggregate classification (germline): Uncertain significance (1 of 4 stars; one submission).

Conditions:
Nemaline myopathy 2 (NEM2). Also called: Nemaline myopathy 2, autosomal recessive. Identifiers: MedGen C1850569, MONDO:0009725, OMIM 256030.

gnomAD v4.1: 2 of 1,613,780 alleles (0.00012%); highest among the groups gnomAD compares: Non-Finnish European, 0.00017%; no homozygotes.

Submission:

Pittsburgh Clinical Genomics Laboratory, University of Pittsburgh Medical Center
Classification: Uncertain significance for Nemaline myopathy 2. Last evaluated: 2024-06-28. Review status: criteria provided, single submitter. Criteria: ACMG Guidelines, 2015. Collection method: clinical testing. Allele origin: germline. Inheritance: Autosomal recessive inheritance. Affected: yes.
Comment: This sequence variant is a single nucleotide substitution (G>C) at position 5682 of the coding sequence of the NEB gene that results in an arginine to serine amino acid change at residue 1894 of the nebulin protein. This variant is absent from ClinVar and has not been observed in the literature in an individual with NEB-related disease, to our knowledge. This variant is present in 2/1613780 alleles (0.0001239%) in the gnomAD v4.0.0 population database. Multiple bioinformatic tools predict that this amino acid change would be neutral, and the Arg1894 residue at this position is poorly conserved across the vertebrate species examined. Studies examining the functional consequence of this variant have not been performed, to our knowledge. At this time, there is insufficient evidence to determine if this variant is pathogenic or benign. Therefore, we consider this a variant of uncertain significance. ACMG Criteria: BP1, BP4, PM2

NM_001164508.2(NEB):c.5682G>C (p.Arg1894Ser)

Gene: NEB (nebulin; minus strand). Cytogenetic location: 2q23.3.
Variant type: single nucleotide variant.
Coding change: c.5682G>C on transcript NM_001164508.2 (MANE Select); coding-DNA position 5682, G replaced by C.
Protein change: p.Arg1894Ser; replaces arginine 1894 with serine.
Molecular consequence: missense variant.
Genome position (GRCh38, 1-based): chr2:151,663,629, C>G on the plus strand (G>C on the coding strand, the complement: NEB is on the minus strand). VCF-style: chr2-151663629-C-G. GRCh37 (hg19) VCF-style: chr2-152520143-C-G.
Other names: c.5682G>C, p.Arg1894Ser (NM_001164507.2, NM_001271208.2, NM_004543.5); short protein forms R1894S.
Identifiers: ClinVar variation 3376477 (VCV003376477.1).